The following is an entry in ClinVar:

ClinVar aggregate classification (germline): Uncertain significance (1 of 4 stars; one submission).

Allele frequency attached by ClinVar (database versions not stated): TOPMed 0.00001.
gnomAD v4.1: 2 of 1,614,102 alleles (0.00012%); highest among the groups gnomAD compares: Non-Finnish European, 0.00017%; no homozygotes.

Submission:

Labcorp Genetics (formerly Invitae), Labcorp
Classification: Uncertain significance. Last evaluated: 2021-08-24. Review status: criteria provided, single submitter. Criteria: Invitae Variant Classification Sherloc (09022015). Collection method: clinical testing. Allele origin: germline.
Comment: This sequence change replaces glutamine with glutamic acid at codon 310 of the CDHR1 protein (p.Gln310Glu). The glutamine residue is moderately conserved and there is a small physicochemical difference between glutamine and glutamic acid. This variant is not present in population databases (ExAC no frequency). This variant has not been reported in the literature in individuals affected with CDHR1-related conditions. Advanced modeling of protein sequence and biophysical properties (such as structural, functional, and spatial information, amino acid conservation, physicochemical variation, residue mobility, and thermodynamic stability) performed at Invitae indicates that this missense variant is not expected to disrupt CDHR1 protein function. In summary, the available evidence is currently insufficient to determine the role of this variant in disease. Therefore, it has been classified as a Variant of Uncertain Significance.

NM_033100.4(CDHR1):c.928C>G (p.Gln310Glu)

Gene: CDHR1 (cadherin related family member 1; plus strand). Cytogenetic location: 10q23.1.
Variant type: single nucleotide variant.
Coding change: c.928C>G on transcript NM_033100.4 (MANE Select); coding-DNA position 928, C replaced by G.
Protein change: p.Gln310Glu; replaces glutamine 310 with glutamic acid.
Molecular consequence: missense variant.
Genome position (GRCh38, 1-based): chr10:84,205,892, C>G. VCF-style: chr10-84205892-C-G. GRCh37 (hg19) VCF-style: chr10-85965648-C-G.
Other names: c.928C>G, p.Gln310Glu (NM_001171971.3); short protein forms Q310E.
Identifiers: ClinVar variation 1373250 (VCV001373250.5), dbSNP rs1842216995, ClinGen allele CA377373881.